The following is an entry in ClinVar:

ClinVar aggregate classification (germline): Likely benign. Review status: criteria provided, multiple submitters, no conflicts (2 of 4 stars). 2 submissions from 2 submitters: Likely benign (2). Last evaluated 2025-08-17.

Conditions:
Leukocyte adhesion deficiency type II. Also called: Congenital disorder of glycosylation type 2C; CDG 2C; Leukocyte adhesion deficiency type 2; Rambam Hasharon syndrome; CONGENITAL DISORDER OF GLYCOSYLATION, TYPE IIc; CDG IIc. Identifiers: Orphanet 2968, Orphanet 99843, MedGen C0398739, MONDO:0009953, OMIM 266265.

Allele frequency attached by ClinVar (database versions not stated): ExAC 0.00002; gnomAD exomes 0.00002 and 0.00003; TOPMed 0.00002.

Submissions (2):

Labcorp Genetics (formerly Invitae), Labcorp
Classification: Likely benign for Leukocyte adhesion deficiency type II. Last evaluated: 2025-08-17. Review status: criteria provided, single submitter. Criteria: Invitae Variant Classification Sherloc (09022015). Collection method: clinical testing. Allele origin: germline.

CeGaT Center for Human Genetics Tuebingen
Classification: Likely benign. Last evaluated: 2023-02-01. Review status: criteria provided, single submitter. Criteria: CeGaT Center For Human Genetics Tuebingen Variant Classification Criteria Version 2. Collection method: clinical testing. Allele origin: germline. Affected: yes. Observed: 1 variant allele.
Comment: SLC35C1: BP4, BP7

NM_018389.5(SLC35C1):c.711C>T (p.Asn237=)

Gene: SLC35C1 (solute carrier family 35 member C1; plus strand). Cytogenetic location: 11p11.2.
Variant type: single nucleotide variant.
Coding change: c.711C>T on transcript NM_018389.5 (MANE Select); coding-DNA position 711, C replaced by T.
Protein change: p.Asn237=; no amino-acid change (asparagine 237 retained).
Molecular consequence: synonymous variant.
Genome position (GRCh38, 1-based): chr11:45,810,951, C>T. VCF-style: chr11-45810951-C-T. GRCh37 (hg19) VCF-style: chr11-45832502-C-T.
Other names: c.672C>T, p.Asn224= (NM_001145265.2, NM_001145266.2).
Identifiers: ClinVar variation 792694 (VCV000792694.33), dbSNP rs777163801, ClinGen allele CA5958317.